The following is an entry in ClinVar:

ClinVar aggregate classification (germline): Uncertain significance (1 of 4 stars; one submission).

Allele frequency attached by ClinVar (database versions not stated): gnomAD exomes below 0.00001.
gnomAD v4.1: 1 of 1,612,804 alleles (0.000062%); highest among the groups gnomAD compares: Non-Finnish European, 0.000085%; no homozygotes.

Submission:

GeneDx
Classification: Uncertain significance. Last evaluated: 2022-04-04. Review status: criteria provided, single submitter. Criteria: GeneDx Variant Classification Process June 2021. Collection method: clinical testing. Allele origin: germline. Affected: yes.
Comment: Not observed at significant frequency in large population cohorts (gnomAD); In silico analysis supports that this missense variant has a deleterious effect on protein structure/function; Has not been previously published as pathogenic or benign to our knowledge

NM_001151.4(SLC25A4):c.328T>C (p.Trp110Arg)

Gene: SLC25A4 (solute carrier family 25 member 4; plus strand). Cytogenetic location: 4q35.1.
Variant type: single nucleotide variant.
Coding change: c.328T>C on transcript NM_001151.4 (MANE Select); coding-DNA position 328, T replaced by C.
Protein change: p.Trp110Arg; replaces tryptophan 110 with arginine.
Molecular consequence: missense variant.
Genome position (GRCh38, 1-based): chr4:185,144,980, T>C. VCF-style: chr4-185144980-T-C. GRCh37 (hg19) VCF-style: chr4-186066134-T-C.
Other names: short protein forms W110R.
Identifiers: ClinVar variation 1708765 (VCV001708765.2), dbSNP rs2477169009, ClinGen allele CA358896393.
Genomic context (GRCh38, chr4:185,144,980, plus strand): 5'-GCCTTCAAGGACAAGTACAAGCAGCTCTTCTTAGGGGGTGTGGATCGGCATAAGCAGTTC[T>C]GGCGCTACTTTGCTGGTAACCTGGCGTCCGGTGGGGCCGCTGGGGCCACCTCCCTTTGCT-3'
Protein context (NP_001142.2, residues 100-120): LGGVDRHKQF[Trp110Arg]RYFAGNLASG